The following is an entry in ClinVar:

ClinVar aggregate classification (germline): Likely benign (1 of 4 stars; one submission).

gnomAD v4.1: 25 of 1,380,044 alleles (0.0018%); highest among the groups gnomAD compares: African/African-American, 0.003%; no homozygotes.

Submission:

CeGaT Center for Human Genetics Tuebingen
Classification: Likely benign. Last evaluated: 2026-09-01. Review status: criteria provided, single submitter. Criteria: CeGaT Center For Human Genetics Tuebingen Variant Classification Criteria Version 2. Collection method: clinical testing. Allele origin: germline. Affected: yes. Observed: 1 variant allele.
Comment: RIPOR3: BP4, BP7

NM_001290268.2(RIPOR3):c.441C>T (p.Tyr147=)

Gene: RIPOR3 (RIPOR family member 3; minus strand). Cytogenetic location: 20q13.13.
Variant type: single nucleotide variant.
Coding change: c.441C>T on transcript NM_001290268.2 (MANE Select); coding-DNA position 441, C replaced by T.
Protein change: p.Tyr147=; no amino-acid change (tyrosine 147 retained).
Molecular consequence: synonymous variant. On other transcripts: non-coding transcript variant (1).
Genome position (GRCh38, 1-based): chr20:50,609,708, G>A on the plus strand (C>T on the coding strand, the complement: RIPOR3 is on the minus strand). VCF-style: chr20-50609708-G-A. GRCh37 (hg19) VCF-style: chr20-49226245-G-A.
Other names: c.429C>T, p.Tyr143= (NM_080829.4).
Identifiers: ClinVar variation 5041278 (VCV005041278.1).